The following is an entry in ClinVar:

ClinVar aggregate classification (germline): Benign/Likely benign. Review status: criteria provided, multiple submitters, no conflicts (2 of 4 stars). 4 submissions from 4 submitters: Benign (1); Likely benign (3). Last evaluated 2025-12-29.

Conditions:
Familial melanoma. Also called: Hereditary melanoma; Hereditary cutaneous melanoma. Identifiers: Orphanet 618, MedGen C1512419, MONDO:0018961.
Hereditary cancer-predisposing syndrome. Also called: Tumor predisposition; Neoplastic Syndromes, Hereditary; Hereditary neoplastic syndrome; Hereditary Cancer Syndrome. Identifiers: Orphanet 140162, MedGen C0027672, MeSH D009386, MONDO:0015356.
Melanoma, cutaneous malignant, susceptibility to, 3. Also called: Cutaneous malignant melanoma 3. Identifiers: Orphanet 618, MedGen C1836892, MONDO:0012183, OMIM 609048.

Allele frequency attached by ClinVar (database versions not stated): gnomAD exomes below 0.00001 and 0.00001; ExAC 0.00001; TOPMed 0.00002.
gnomAD v4.1: 7 of 1,614,036 alleles (0.00043%); highest among the groups gnomAD compares: Admixed American, 0.0033%; no homozygotes.

Submissions (4):

Center for Genomic Medicine, Rigshospitalet, Copenhagen University Hospital
Classification: Likely benign. Last evaluated: 2025-12-29. Review status: criteria provided, single submitter. Criteria: ACMG Guidelines, 2015. Collection method: clinical testing. Allele origin: germline.

Labcorp Genetics (formerly Invitae), Labcorp
Classification: Likely benign for Familial melanoma. Last evaluated: 2025-12-21. Review status: criteria provided, single submitter. Criteria: Invitae Variant Classification Sherloc (09022015). Collection method: clinical testing. Allele origin: germline.

Myriad Genetics, Inc.
Classification: Benign for Melanoma, cutaneous malignant, susceptibility to, 3. Last evaluated: 2024-09-26. Review status: criteria provided, single submitter. Criteria: Myriad Autosomal Dominant, Autosomal Recessive and X-Linked Classification Criteria (2023). Collection method: clinical testing. Allele origin: unknown.
Comment: This variant is considered benign. This variant is a silent/synonymous amino acid change and it is not expected to impact splicing.

Ambry Genetics
Classification: Likely benign for Hereditary cancer-predisposing syndrome. Last evaluated: 2019-03-28. Review status: criteria provided, single submitter. Criteria: Ambry Variant Classification Scheme 2023. Collection method: clinical testing. Allele origin: germline.

NM_000075.4(CDK4):c.795G>A (p.Glu265=)

Genes: CDK4 (cyclin dependent kinase 4; minus strand), TSPAN31 (tetraspanin 31; plus strand). Cytogenetic location: 12q14.1.
Variant type: single nucleotide variant.
Coding change: c.795G>A on transcript NM_000075.4 (MANE Select); coding-DNA position 795, G replaced by A.
Protein change: p.Glu265=; no amino-acid change (glutamic acid 265 retained).
Molecular consequence: synonymous variant. On other transcripts: 3 prime UTR variant (3).
Genome position (GRCh38, 1-based): chr12:57,749,206, C>T on the plus strand (G>A on the coding strand, the complement: CDK4 is on the minus strand). VCF-style: chr12-57749206-C-T. GRCh37 (hg19) VCF-style: chr12-58142989-C-T.
Other names: c.*1916C>T (NM_001330168.2, NM_001330169.2, NM_005981.5).
Identifiers: ClinVar variation 414926 (VCV000414926.17), dbSNP rs747521511, ClinGen allele CA6657685.